The following is an entry in ClinVar:

ClinVar aggregate classification (germline): Uncertain significance (1 of 4 stars; one submission).

Conditions:
Autosomal dominant intellectual disability-craniofacial anomalies-cardiac defects syndrome (ARTHS). Also called: Mental retardation, autosomal dominant 32; KAT6A syndrome; Arboleda-Tham syndrome. Identifiers: Orphanet 457193, MedGen C4225396, MONDO:0014558, OMIM 616268.

Submission:

Molecular Genetics, Royal Melbourne Hospital
Classification: Uncertain significance for Autosomal dominant intellectual disability-craniofacial anomalies-cardiac defects syndrome. Last evaluated: 2020-11-20. Review status: criteria provided, single submitter. Criteria: ACMG Guidelines, 2015. Collection method: clinical testing. Allele origin: germline.
Comment: This sequence change is an inframe duplication of 12 bp predicted to cause the insertion of four amino acids at position 1669-1672 of the KAT6A protein (p.(Ala1669_Pro1672dup)). The duplicated residues are not conserved (100 vertebrates, UCSC), and the region is not in any annotated domain. The variant is absent from a large population cohort (PM2; gnomAD v2.1.1 and v3.0). The variant has not been previously reported in variant databases or the medical literature. Based on the classification guideline RMH ACMG Guidelines v1.2.1, this variant has been classified as a VARIANT OF UNCERTAIN SIGNIFICANCE. The following criteria are met: PM2.

NM_006766.5(KAT6A):c.5001_5012dup (p.Ala1669_Pro1672dup)

Gene: KAT6A (lysine acetyltransferase 6A; minus strand). Cytogenetic location: 8p11.21.
Variant type: Duplication.
Coding change: c.5001_5012dup on transcript NM_006766.5 (MANE Select); coding-DNA positions 5001 to 5012, 12 bases duplicated (ACCAGCACCACA).
Protein change: p.Ala1669_Pro1672dup.
Molecular consequence: inframe insertion.
Genome position (GRCh38, 1-based): chr8:41,933,208-41,933,219, TGTGGTGCTGGT duplicated on the plus strand (ACCAGCACCACA on the coding strand, the reverse complement: KAT6A is on the minus strand); duplicating any 12 consecutive bases within chr8:41,933,208-41,933,225 gives the same sequence; the c. name uses the placement nearest the transcript's 3' end. VCF-style (leftmost placement, unchanged base first): chr8-41933207-C-CTGTGGTGCTGGT. GRCh37 (hg19) VCF-style: chr8-41790725-C-CTGTGGTGCTGGT.
Identifiers: ClinVar variation 1678599 (VCV001678599.2), dbSNP rs2150855509, ClinGen allele CA1139532356.